The following is an entry in ClinVar:

ClinVar aggregate classification (germline): Uncertain significance. Review status: criteria provided, single submitter (1 of 4 stars). 2 submissions from 2 submitters: Uncertain significance (1). 1 of the submissions does not count toward it. Last evaluated 2024-03-02.

Conditions:
Episodic kinesigenic dyskinesia (EKD). Also called: Paroxysmal kinesigenic dyskinesia. Identifiers: Orphanet 98809, MedGen C1868682, MONDO:0044202.
Complex febrile seizure. Also called: Complex febrile convulsion; Complex fever fit; complex febrile convulsions; Complex febrile seizures. Identifiers: MedGen C0751057, HP:0011172.

Allele frequency attached by ClinVar (database versions not stated): gnomAD exomes 0.00001.
gnomAD v4.1: 3 of 1,614,000 alleles (0.00019%); highest among the groups gnomAD compares: Admixed American, 0.0017%; no homozygotes.

Submissions (2):

Labcorp Genetics (formerly Invitae), Labcorp
Classification: Uncertain significance for Episodic kinesigenic dyskinesia. Last evaluated: 2024-03-02. Review status: criteria provided, single submitter. Criteria: Invitae Variant Classification Sherloc (09022015). Collection method: clinical testing. Allele origin: germline.
Comment: This sequence change replaces proline, which is neutral and non-polar, with arginine, which is basic and polar, at codon 58 of the PRRT2 protein (p.Pro58Arg). This variant is not present in population databases (gnomAD no frequency). This variant has not been reported in the literature in individuals affected with PRRT2-related conditions. ClinVar contains an entry for this variant (Variation ID: 560656). Advanced modeling of protein sequence and biophysical properties (such as structural, functional, and spatial information, amino acid conservation, physicochemical variation, residue mobility, and thermodynamic stability) performed at Invitae indicates that this missense variant is not expected to disrupt PRRT2 protein function with a negative predictive value of 95%. In summary, the available evidence is currently insufficient to determine the role of this variant in disease. Therefore, it has been classified as a Variant of Uncertain Significance.

Clinical Molecular Genetics Laboratory, Johns Hopkins All Children's Hospital
Classification: Uncertain significance for complex febrile seizures. Last evaluated: 2016-10-13. Review status: no assertion criteria provided. Collection method: clinical testing. Allele origin: germline. Affected: yes. Not counted in ClinVar's aggregate classification.

NM_145239.3(PRRT2):c.173C>G (p.Pro58Arg)

Genes: MVP-DT (MVP divergent transcript; minus strand), PRRT2 (proline rich transmembrane protein 2; plus strand). Cytogenetic location: 16p11.2.
Variant type: single nucleotide variant.
Coding change: c.173C>G on transcript NM_145239.3 (MANE Select); coding-DNA position 173, C replaced by G.
Protein change: p.Pro58Arg; replaces proline 58 with arginine.
Molecular consequence: missense variant.
Genome position (GRCh38, 1-based): chr16:29,813,227, C>G. VCF-style: chr16-29813227-C-G. GRCh37 (hg19) VCF-style: chr16-29824548-C-G.
Other names: c.173C>G, p.Pro58Arg (NM_001256442.2, NM_001256443.2); short protein forms P58R.
Identifiers: ClinVar variation 560656 (VCV000560656.10), dbSNP rs1567378768, ClinGen allele CA395477551.